The following is an entry in ClinVar:

NM_001267550.2(TTN):c.71841G>C (p.Lys23947Asn)

Genes: TTN-AS1 (TTN antisense RNA 1; plus strand), TTN (titin; minus strand). Cytogenetic location: 2q31.2.
Variant type: single nucleotide variant.
Coding change: c.71841G>C on transcript NM_001267550.2 (MANE Select); coding-DNA position 71841, G replaced by C.
Protein change: p.Lys23947Asn; replaces lysine 23947 with asparagine.
Molecular consequence: missense variant.
Genome position (GRCh38, 1-based): chr2:178,574,291, C>G on the plus strand (G>C on the coding strand, the complement: TTN is on the minus strand). VCF-style: chr2-178574291-C-G. GRCh37 (hg19) VCF-style: chr2-179439018-C-G.
Other names: p.K22306N:AAG>AAC; p.Lys22306Asn; c.71841G>C (LRG_391t1); c.66918G>C, p.Lys22306Asn (NM_001256850.1); c.44646G>C, p.Lys14882Asn (NM_003319.4); c.64137G>C, p.Lys21379Asn (NM_133378.4); c.45021G>C, p.Lys15007Asn (NM_133432.3); c.45222G>C, p.Lys15074Asn (NM_133437.4); short protein forms K23947N, K21379N, K22306N, K14882N, K15007N, K15074N.
Identifiers: ClinVar variation 130678 (VCV000130678.34), dbSNP rs56019808, ClinGen allele CA289100.

ClinVar aggregate classification (germline): Conflicting classifications of pathogenicity. Review status: criteria provided, conflicting classifications (1 of 4 stars). 13 submissions from 13 submitters: Uncertain significance (5); Likely benign (7). 1 of the submissions does not count toward it. Last evaluated 2026-05-27.

Conditions:
Cardiovascular phenotype. Identifiers: MedGen CN230736.
TTN-related disorder. Also called: TTN-related condition; TTN-related disease; TTN-related disorders.
Dilated cardiomyopathy 1G (CMD1G). Identifiers: Orphanet 154, MedGen C1858763, MONDO:0011400, OMIM 604145.
Autosomal recessive limb-girdle muscular dystrophy type 2J (LGMDR10). Also called: Limb-girdle muscular dystrophy, type 2J; MUSCULAR DYSTROPHY, LIMB-GIRDLE, AUTOSOMAL RECESSIVE 10. Identifiers: Orphanet 140922, MedGen C1837342, MONDO:0012127, OMIM 608807.

Allele frequency attached by ClinVar (database versions not stated): gnomAD exomes 0.00003 and 0.00015; ExAC 0.00015; TOPMed 0.00053; gnomAD 0.00056; 1000 Genomes Project 0.00060; ESP Exome Variant Server 0.00076; 1000 Genomes Project 30x 0.00094.
gnomAD v4.1: 148 of 1,613,418 alleles (0.0092%); highest among the groups gnomAD compares: African/African-American, 0.15%; no homozygotes.

Submissions (13):

Women's Health and Genetics/Laboratory Corporation of America, LabCorp
Classification: Likely benign. Last evaluated: 2026-05-27. Review status: criteria provided, single submitter. Criteria: LabCorp Variant Classification Summary - May 2015. Collection method: clinical testing. Allele origin: germline.
Comment: Variant summary: TTN c.64137G>C (p.Lys21379Asn) results in a non-conservative amino acid change in the encoded protein sequence. Algorithms developed to predict the effect of missense changes on protein structure and function are either unavailable or do not agree on the potential impact of this missense change. The variant allele was found at a frequency of 0.00015 in 248036 control chromosomes, predominantly at a frequency of 0.0017 within the African or African-American subpopulation in the gnomAD database. The observed variant frequency within African or African-American control individuals in the gnomAD database exceeds the estimated maximal expected allele frequency for disease-causing variants in TTN. To our knowledge, no occurrence of c.64137G>C in individuals affected with TTN-related conditions and no experimental evidence demonstrating its impact on protein function have been reported. ClinVar contains an entry for this variant (Variation ID: 130678). Based on the evidence outlined above, the variant was classified as likely benign.

Labcorp Genetics (formerly Invitae), Labcorp
Classification: Likely benign for Dilated cardiomyopathy 1G; Autosomal recessive limb-girdle muscular dystrophy type 2J. Last evaluated: 2026-01-19. Review status: criteria provided, single submitter. Criteria: Invitae Variant Classification Sherloc (09022015). Collection method: clinical testing. Allele origin: germline.

ARUP Laboratories, Molecular Genetics and Genomics, ARUP Laboratories
Classification: Uncertain significance. Last evaluated: 2025-05-20. Review status: criteria provided, single submitter. Criteria: ARUP Molecular Germline Variant Investigation Process 2024. Collection method: clinical testing. Allele origin: germline.
Comment: The TTN c.71841G>C; p. Lys23947Asn variant (rs56019808; ClinVar Variation ID: 130678) is rare in the general population (<0.2% allele frequency in the Genome Aggregation Database) and has not been reported in the medical literature in association with dilated cardiomyopathy (DCM) or other TTN-related disease. The clinical relevance of rare missense variants in this gene, which are identified on average once per individual sequenced in affected populations (Herman 2012), is not well understood. Yet, evidence suggests that the vast majority of such missense variants do not contribute to the clinical outcome of DCM (Begay 2015). Thus, the clinical significance of the p. Lys23947Asn variant cannot be determined with certainty. References: Begay RL et al. Role of Titin Missense Variants in Dilated Cardiomyopathy. J Am Heart Assoc. 2015 Nov 13;4(11). PMID: 26567375. Herman DS et al. Truncations of titin causing dilated cardiomyopathy. N Engl J Med. 2012 Feb 16;366(7):619-28. PMID: 22335739.

Molecular Diagnostic Laboratory for Inherited Cardiovascular Disease, Montreal Heart Institute
Classification: Likely benign. Last evaluated: 2025-04-09. Review status: criteria provided, single submitter. Criteria: ACMG Guidelines, 2015. Collection method: clinical testing. Allele origin: germline. Affected: no.

Revvity Omics, Revvity
Classification: Uncertain significance. Last evaluated: 2024-12-17. Review status: criteria provided, single submitter. Criteria: ACMG Guidelines, 2015. Collection method: clinical testing. Allele origin: germline.

Blueprint Genetics
Classification: Likely benign. Last evaluated: 2024-07-02. Review status: criteria provided, single submitter. Criteria: ACMG Guidelines, 2015. Collection method: clinical testing. Allele origin: germline.

Mayo Clinic Laboratories, Mayo Clinic
Classification: Likely benign. Last evaluated: 2022-11-02. Review status: criteria provided, single submitter. Criteria: ACMG Guidelines, 2015. Collection method: clinical testing. Allele origin: germline. Observed: 3 variant alleles.

GeneDx
Classification: Likely benign. Last evaluated: 2020-10-16. Review status: criteria provided, single submitter. Criteria: GeneDx Variant Classification Process June 2021. Collection method: clinical testing. Allele origin: germline. Affected: yes.

Ambry Genetics
Classification: Likely benign for Cardiovascular phenotype. Last evaluated: 2019-04-16. Review status: criteria provided, single submitter. Criteria: Ambry Variant Classification Scheme 2023. Collection method: clinical testing. Allele origin: germline.

Eurofins Ntd Llc (ga)
Classification: Uncertain significance. Last evaluated: 2017-09-22. Review status: criteria provided, single submitter. Criteria: EGL Classification Definitions 2015. Collection method: clinical testing. Allele origin: germline. Observed: 2 variant alleles, 2 heterozygotes.

Athena Diagnostics
Classification: Uncertain significance. Last evaluated: 2017-06-20. Review status: criteria provided, single submitter. Criteria: Athena Diagnostics Criteria. Collection method: clinical testing. Allele origin: germline.

Genetic Services Laboratory, University of Chicago
Classification: Uncertain significance. Last evaluated: 2013-08-26. Review status: criteria provided, single submitter. Criteria: ACMG Guidelines, 2007. Collection method: clinical testing. Allele origin: germline.

PreventionGenetics, part of Exact Sciences
Classification: Likely benign for TTN-related condition. Last evaluated: 2023-06-27. Review status: no assertion criteria provided. Collection method: clinical testing. Allele origin: germline. Not counted in ClinVar's aggregate classification.
Comment: This variant is classified as likely benign based on ACMG/AMP sequence variant interpretation guidelines (Richards et al. 2015 PMID: 25741868, with internal and published modifications).